The following is an entry in ClinVar:

NM_203453.5(PLPP6):c.-7A>C

Genes: PLPP6 (phospholipid phosphatase 6; plus strand), SPATA6L (spermatogenesis associated 6 like; minus strand). Cytogenetic location: 9p24.1.
Variant type: single nucleotide variant.
Coding change: c.-7A>C on transcript NM_203453.5 (MANE Select); 7 bases upstream of the start codon, A replaced by C.
Molecular consequence: 5 prime UTR variant. On other transcripts: intron variant (6).
Genome position (GRCh38, 1-based): chr9:4,662,369, A>C. VCF-style: chr9-4662369-A-C. GRCh37 (hg19) VCF-style: chr9-4662369-A-C.
Other names: c.40-333T>G (NM_001039395.4, NM_001353484.2, NM_001353486.2 and 2 more transcripts); c.-606-333T>G (NM_001353491.2).
Identifiers: ClinVar variation 3060163 (VCV003060163.2), dbSNP rs301487, ClinGen allele CA4969994.
Genomic context (GRCh38, chr9:4,662,369, plus strand): 5'-GAGGCTGCAGGGCCGGGAAGCCTCTGTTTGGTCCGGCCAGGTCCCGGGATCCGGGCCGCC[A>C]GCTGCGATGCCAAGTCCCCGGAGGAGCATGGAGGGACGGCCGCTGGGCGTCTCCGCTTCG-3'

ClinVar aggregate classification (germline): Benign (0 of 4 stars; one submission).

Conditions:
PLPP6-related disorder. Also called: PLPP6-related condition.

Allele frequency attached by ClinVar (database versions not stated): gnomAD exomes 0.49580; gnomAD 0.59549; TOPMed 0.60771; ESP Exome Variant Server 0.63481; ExAC 0.68244; 1000 Genomes Project 0.68510; 1000 Genomes Project 30x 0.68801.
gnomAD v4.1: 760,959 of 1,499,336 alleles (51%); highest among the groups gnomAD compares: African/African-American, 86%; 202,091 homozygotes.

Submission:

PreventionGenetics, part of Exact Sciences
Classification: Benign for PLPP6-related condition. Last evaluated: 2019-10-17. Review status: no assertion criteria provided. Collection method: clinical testing. Allele origin: germline.
Comment: This variant is classified as benign based on ACMG/AMP sequence variant interpretation guidelines (Richards et al. 2015 PMID: 25741868, with internal and published modifications).